The following is an entry in ClinVar:

ClinVar aggregate classification (germline): Benign. Review status: criteria provided, multiple submitters, no conflicts (2 of 4 stars). 4 submissions from 3 submitters: Benign (4). Last evaluated 2021-05-15.

Conditions:
Liddle syndrome 2. Identifiers: MedGen C4748251, MONDO:0020854, OMIM 618114.
Pseudohypoaldosteronism, type IB1, autosomal recessive. Also called: Pseudohypoaldosteronism, Type I, Autosomal Recessive; PHA I, AUTOSOMAL RECESSIVE; Pseudohypoaldosteronism, Type I, Recessive; Autosomal recessive pseudohypoaldosteronism type 1. Identifiers: Orphanet 171876, Orphanet 756, MedGen C5774176, MONDO:0009917, OMIM 264350.

Allele frequency attached by ClinVar (database versions not stated): gnomAD exomes 0.11706; 1000 Genomes Project 0.15495; 1000 Genomes Project 30x 0.15506; TOPMed 0.20673; gnomAD 0.21181 and 0.21907.
gnomAD v4.1: 33,326 of 161,576 alleles (21%); highest among the groups gnomAD compares: African/African-American, 25%; 3,610 homozygotes.

Submissions (4):

GeneDx
Classification: Benign. Last evaluated: 2021-05-15. Review status: criteria provided, single submitter. Criteria: GeneDx Variant Classification Process June 2021. Collection method: clinical testing. Allele origin: germline. Affected: yes.

Illumina Laboratory Services, Illumina
Classification: Benign for Liddle syndrome 2. Last evaluated: 2017-04-27. Review status: criteria provided, single submitter. Criteria: ICSL Variant Classification Criteria 13 December 2019. Collection method: clinical testing. Allele origin: germline.
Comment: This variant was observed as part of a predisposition screen in an ostensibly healthy population. A literature search was performed for the gene, cDNA change, and amino acid change (where applicable). No publications were found based on this search. Allele frequency data from public databases was too high to be consistent with this variant causing disease. Therefore, this variant is classified as benign.

Illumina Laboratory Services, Illumina
Classification: Benign for Pseudohypoaldosteronism, type IB1, autosomal recessive. Last evaluated: 2017-04-27. Review status: criteria provided, single submitter. Criteria: ICSL Variant Classification Criteria 13 December 2019. Collection method: clinical testing. Allele origin: germline.
Comment: the same text as in the submission from Illumina Laboratory Services, Illumina above.

Breakthrough Genomics
Classification: Benign. Review status: criteria provided, single submitter. Criteria: ACMG Guidelines, 2015. Collection method: not provided. Allele origin: germline. Inheritance: Autosomal dominant inheritance. Affected: yes.

NM_001039.4(SCNN1G):c.*606T>A

Gene: SCNN1G (sodium channel epithelial 1 subunit gamma; plus strand). Cytogenetic location: 16p12.2.
Variant type: single nucleotide variant.
Coding change: c.*606T>A on transcript NM_001039.4 (MANE Select); 606 bases downstream of the stop codon, T replaced by A.
Molecular consequence: 3 prime UTR variant.
Genome position (GRCh38, 1-based): chr16:23,216,075, T>A. VCF-style: chr16-23216075-T-A. GRCh37 (hg19) VCF-style: chr16-23227396-T-A.
Identifiers: ClinVar variation 318370 (VCV000318370.8), dbSNP rs5729, ClinGen allele CA10643195.